The following is an entry in ClinVar:

ClinVar aggregate classification (germline): Conflicting classifications of pathogenicity. Review status: criteria provided, conflicting classifications (1 of 4 stars). 4 submissions from 4 submitters: Uncertain significance (2); Likely benign (1). 1 of the submissions does not count toward it. Last evaluated 2025-11-16.

Conditions:
SERPING1-related disorder. Also called: SERPING1-related condition.
Hereditary angioedema type 1 (HAE1). Identifiers: Orphanet 100050, Orphanet 100051, Orphanet 91378, MedGen C2717906, MONDO:0015053, OMIM 106100.

Allele frequency attached by ClinVar (database versions not stated): gnomAD exomes 0.00002 and 0.00008; TOPMed 0.00003; ESP Exome Variant Server 0.00008; 1000 Genomes Project 0.00020; 1000 Genomes Project 30x 0.00031.
gnomAD v4.1: 125 of 1,614,110 alleles (0.0077%); highest among the groups gnomAD compares: Non-Finnish European, 0.0095%; no homozygotes.

Submissions (4):

Labcorp Genetics (formerly Invitae), Labcorp
Classification: Likely benign. Last evaluated: 2025-11-16. Review status: criteria provided, single submitter. Criteria: Invitae Variant Classification Sherloc (09022015). Collection method: clinical testing. Allele origin: germline.

Department of Pathology and Laboratory Medicine, Sinai Health System
Classification: Uncertain significance for Hereditary angioedema type 1. Last evaluated: 2023-02-26. Review status: criteria provided, single submitter. Criteria: ACMG Guidelines, 2015. Collection method: research. Allele origin: germline.

Illumina Laboratory Services, Illumina
Classification: Uncertain significance for Hereditary angioedema type 1. Last evaluated: 2018-01-13. Review status: criteria provided, single submitter. Criteria: ICSL Variant Classification Criteria 13 December 2019. Collection method: clinical testing. Allele origin: germline.

PreventionGenetics, part of Exact Sciences
Classification: Uncertain significance for SERPING1-related condition. Last evaluated: 2024-04-04. Review status: no assertion criteria provided. Collection method: clinical testing. Allele origin: germline. Not counted in ClinVar's aggregate classification.
Comment: The SERPING1 c.227C>T variant is predicted to result in the amino acid substitution p.Thr76Ile. To our knowledge, this variant has not been reported in the literature. This variant is reported in 0.0087% of alleles in individuals of Latino descent in gnomAD. At this time, the clinical significance of this variant is uncertain due to the absence of conclusive functional and genetic evidence.

NM_000062.3(SERPING1):c.227C>T (p.Thr76Ile)

Gene: SERPING1 (serpin family G member 1; plus strand). Cytogenetic location: 11q12.1.
Variant type: single nucleotide variant.
Coding change: c.227C>T on transcript NM_000062.3 (MANE Select); coding-DNA position 227, C replaced by T.
Protein change: p.Thr76Ile; replaces threonine 76 with isoleucine.
Molecular consequence: missense variant.
Genome position (GRCh38, 1-based): chr11:57,600,054, C>T. VCF-style: chr11-57600054-C-T. GRCh37 (hg19) VCF-style: chr11-57367527-C-T.
Other names: c.227C>T, p.Thr76Ile (NM_001032295.2); short protein forms T76I.
Identifiers: ClinVar variation 305021 (VCV000305021.14), dbSNP rs182779591, ClinGen allele CA10639419.